The following is an entry in ClinVar:

NM_015978.3(TNNI3K):c.361C>T (p.Leu121Phe)

Genes: FPGT-TNNI3K (FPGT-TNNI3K readthrough; plus strand), TNNI3K (TNNI3 interacting kinase; plus strand). Cytogenetic location: 1p31.1.
Variant type: single nucleotide variant.
Coding change: c.361C>T on transcript NM_015978.3 (MANE Select); coding-DNA position 361, C replaced by T.
Protein change: p.Leu121Phe; replaces leucine 121 with phenylalanine.
Molecular consequence: missense variant.
Genome position (GRCh38, 1-based): chr1:74,271,625, C>T. VCF-style: chr1-74271625-C-T. GRCh37 (hg19) VCF-style: chr1-74737309-C-T.
Other names: c.664C>T, p.Leu222Phe (NM_001112808.3, NM_001199327.2); c.361C>T (NM_015978.2); short protein forms L121F, L222F.
Identifiers: ClinVar variation 1347223 (VCV001347223.7), dbSNP rs761269305, ClinGen allele CA908875.
Genomic context (GRCh38, chr1:74,271,625, plus strand): 5'-GAAAAGTAACACTAAAGATATGTTTCCTTACAGGATAATGCAGAATTGATCACTTCTCTG[C>T]TTCACAGTGGAGCTGATATACAGCAGGTTGGATACGGTGGCCTCACTGCCCTCCATATTG-3'
Protein context (NP_057062.1, residues 111-131): KDNAELITSL[Leu121Phe]HSGADIQQVG

ClinVar aggregate classification (germline): Uncertain significance. Review status: criteria provided, multiple submitters, no conflicts (2 of 4 stars). 2 submissions from 2 submitters: Uncertain significance (2). Last evaluated 2026-02-15.

Conditions:
TNNI3K-related disorder. Also called: TNNI3K-related condition.

Allele frequency attached by ClinVar (database versions not stated): ExAC 0.00001; gnomAD 0.00002; gnomAD exomes 0.00002; TOPMed 0.00002.
gnomAD v4.1: 13 of 1,608,134 alleles (0.00081%); highest among the groups gnomAD compares: Admixed American, 0.02%; no homozygotes.

Submissions (2):

PreventionGenetics, part of Exact Sciences
Classification: Uncertain significance for TNNI3K-related condition. Last evaluated: 2026-02-15. Review status: criteria provided, single submitter. Criteria: ACMG Guidelines, 2015. Collection method: clinical testing. Allele origin: germline.
Comment: The TNNI3K c.361C>T variant is predicted to result in the amino acid substitution p.Leu121Phe. To our knowledge, this variant has not been reported in the literature. This variant is reported in 0.012% of alleles in individuals of Latino descent in gnomAD. At this time, the clinical significance of this variant is uncertain due to the absence of conclusive functional and genetic evidence.

Labcorp Genetics (formerly Invitae), Labcorp
Classification: Uncertain significance. Last evaluated: 2025-07-14. Review status: criteria provided, single submitter. Criteria: Invitae Variant Classification Sherloc (09022015). Collection method: clinical testing. Allele origin: germline.
Comment: This sequence change replaces leucine, which is neutral and non-polar, with phenylalanine, which is neutral and non-polar, at codon 121 of the TNNI3K protein (p.Leu121Phe). This variant is present in population databases (rs761269305, gnomAD 0.01%). This variant has not been reported in the literature in individuals affected with TNNI3K-related conditions. ClinVar contains an entry for this variant (Variation ID: 1347223). Invitae Evidence Modeling of protein sequence and biophysical properties (such as structural, functional, and spatial information, amino acid conservation, physicochemical variation, residue mobility, and thermodynamic stability) indicates that this missense variant is not expected to disrupt TNNI3K protein function with a negative predictive value of 80%. Algorithms developed to predict the effect of sequence changes on RNA splicing suggest that this variant may create or strengthen a splice site. In summary, the available evidence is currently insufficient to determine the role of this variant in disease. Therefore, it has been classified as a Variant of Uncertain Significance.